The following is an entry in ClinVar:

NM_000426.4(LAMA2):c.3004G>A (p.Gly1002Ser)

Gene: LAMA2 (laminin subunit alpha 2; plus strand). Cytogenetic location: 6q22.33.
Variant type: single nucleotide variant.
Coding change: c.3004G>A on transcript NM_000426.4 (MANE Select); coding-DNA position 3004, G replaced by A.
Protein change: p.Gly1002Ser; replaces glycine 1002 with serine.
Molecular consequence: missense variant.
Genome position (GRCh38, 1-based): chr6:129,297,832, G>A. VCF-style: chr6-129297832-G-A. GRCh37 (hg19) VCF-style: chr6-129618977-G-A.
Other names: p.Gly1002Ser; c.3004G>A, p.Gly1002Ser (NM_001079823.2); short protein forms G1002S.
Identifiers: ClinVar variation 705893 (VCV000705893.61), dbSNP rs200953311, ClinGen allele CA3993126.
Genomic context (GRCh38, chr6:129,297,832, plus strand): 5'-AGTGGACAATGTTGGTGCCAACCTGGAGTCACAGGGAAGAAATGTGACCGCTGTGCCCAC[G>A]GCTATTTCAACTTCCAAGAAGGAGGCTGCACAGGTCTGTAAATATGACTTAAGTCCTACA-3'
Protein context (NP_000417.3, residues 992-1012): TGKKCDRCAH[Gly1002Ser]YFNFQEGGCT

ClinVar aggregate classification (germline): Conflicting classifications of pathogenicity. Review status: criteria provided, conflicting classifications (1 of 4 stars). 8 submissions from 8 submitters: Uncertain significance (6); Likely benign (1). 1 of the submissions does not count toward it. Last evaluated 2026-01-27.

Conditions:
LAMA2-related disorder. Also called: LAMA2-related disorders; LAMA2-related condition.
LAMA2-related muscular dystrophy (LAMA2-RD). Also called: Laminin alpha 2-related dystrophy. Identifiers: MedGen C5679788, MONDO:0100228.
Congenital muscular dystrophy due to partial LAMA2 deficiency. Identifiers: MedGen C1842898.

Allele frequency attached by ClinVar (database versions not stated): ESP Exome Variant Server 0.00008; gnomAD 0.00010 and 0.00011; TOPMed 0.00016; ExAC 0.00024; gnomAD exomes 0.00025.
gnomAD v4.1: 170 of 1,613,704 alleles (0.011%); highest among the groups gnomAD compares: African/African-American, 0.011%; no homozygotes.

Submissions (8):

Labcorp Genetics (formerly Invitae), Labcorp
Classification: Likely benign for LAMA2-related muscular dystrophy. Last evaluated: 2026-01-27. Review status: criteria provided, single submitter. Criteria: Invitae Variant Classification Sherloc (09022015). Collection method: clinical testing. Allele origin: germline.

Revvity Omics, Revvity
Classification: Uncertain significance. Last evaluated: 2025-05-27. Review status: criteria provided, single submitter. Criteria: ACMG Guidelines, 2015. Collection method: clinical testing. Allele origin: germline.

Blueprint Genetics
Classification: Uncertain significance. Last evaluated: 2024-04-26. Review status: criteria provided, single submitter. Criteria: ACMG Guidelines, 2015. Collection method: clinical testing. Allele origin: germline.

Mayo Clinic Laboratories, Mayo Clinic
Classification: Uncertain significance. Last evaluated: 2022-03-16. Review status: criteria provided, single submitter. Criteria: ACMG Guidelines, 2015. Collection method: clinical testing. Allele origin: germline. Observed: 1 variant allele.
Comment: PP3

GeneDx
Classification: Uncertain significance. Last evaluated: 2021-05-06. Review status: criteria provided, single submitter. Criteria: GeneDx Variant Classification Process June 2021. Collection method: clinical testing. Allele origin: germline. Affected: yes.
Comment: In silico analysis supports that this missense variant has a deleterious effect on protein structure/function; In-silico analysis, which includes splice predictors and evolutionary conservation, is inconclusive as to whether the variant alters gene splicing. In the absence of RNA/functional studies, the actual effect of this sequence change is unknown.; Has not been previously published as pathogenic or benign to our knowledge

CeGaT Center for Human Genetics Tuebingen
Classification: Uncertain significance. Last evaluated: 2018-03-01. Review status: criteria provided, single submitter. Criteria: CeGaT Center For Human Genetics Tuebingen Variant Classification Criteria Version 2. Collection method: clinical testing. Allele origin: germline. Affected: yes. Observed: 1 variant allele.

Illumina Laboratory Services, Illumina
Classification: Uncertain significance for Congenital muscular dystrophy due to partial LAMA2 deficiency. Last evaluated: 2018-01-13. Review status: criteria provided, single submitter. Criteria: ICSL Variant Classification Criteria 13 December 2019. Collection method: clinical testing. Allele origin: germline.

PreventionGenetics, part of Exact Sciences
Classification: Likely benign for LAMA2-related condition. Last evaluated: 2023-04-12. Review status: no assertion criteria provided. Collection method: clinical testing. Allele origin: germline. Not counted in ClinVar's aggregate classification.
Comment: This variant is classified as likely benign based on ACMG/AMP sequence variant interpretation guidelines (Richards et al. 2015 PMID: 25741868, with internal and published modifications).